The following is an entry in ClinVar:

ClinVar aggregate classification (germline): Uncertain significance (1 of 4 stars; one submission).

Allele frequency attached by ClinVar (database versions not stated): TOPMed 0.00001; ExAC 0.00004; gnomAD 0.00004; ESP Exome Variant Server 0.00012.

Submission:

Labcorp Genetics (formerly Invitae), Labcorp
Classification: Uncertain significance. Last evaluated: 2022-04-28. Review status: criteria provided, single submitter. Criteria: Invitae Variant Classification Sherloc (09022015). Collection method: clinical testing. Allele origin: germline.
Comment: In summary, the available evidence is currently insufficient to determine the role of this variant in disease. Therefore, it has been classified as a Variant of Uncertain Significance. Algorithms developed to predict the effect of missense changes on protein structure and function output the following: SIFT: "Deleterious"; PolyPhen-2: "Benign"; Align-GVGD: "Class C0". The valine amino acid residue is found in multiple mammalian species, which suggests that this missense change does not adversely affect protein function. This variant has not been reported in the literature in individuals affected with VARS2-related conditions. This variant is present in population databases (rs370284242, gnomAD 0.01%). This sequence change replaces alanine, which is neutral and non-polar, with valine, which is neutral and non-polar, at codon 759 of the VARS2 protein (p.Ala759Val).

NM_020442.6(VARS2):c.2186C>T (p.Ala729Val)

Genes: VARS2 (valyl-tRNA synthetase 2, mitochondrial; plus strand), LOC126859646 (MED14-independent group 3 enhancer GRCh37_chr6:30889690-30890889; plus strand). Cytogenetic location: 6p21.33.
Variant type: single nucleotide variant.
Coding change: c.2186C>T on transcript NM_020442.6 (MANE Select); coding-DNA position 2186, C replaced by T.
Protein change: p.Ala729Val; replaces alanine 729 with valine.
Molecular consequence: missense variant.
Genome position (GRCh38, 1-based): chr6:30,923,104, C>T. VCF-style: chr6-30923104-C-T. GRCh37 (hg19) VCF-style: chr6-30890881-C-T.
Other names: c.1766C>T, p.Ala589Val (NM_001167733.3); c.2276C>T, p.Ala759Val (NM_001167734.2); short protein forms A759V, A589V, A729V.
Identifiers: ClinVar variation 1981350 (VCV001981350.4), dbSNP rs370284242, ClinGen allele CA3706212.